The following is an entry in ClinVar:

ClinVar aggregate classification (germline): Uncertain significance. Review status: criteria provided, multiple submitters, no conflicts (2 of 4 stars). 2 submissions from 2 submitters: Uncertain significance (2). Last evaluated 2026-05-14.

Conditions:
Hereditary cancer-predisposing syndrome. Also called: Hereditary neoplastic syndrome; Neoplastic Syndromes, Hereditary; Tumor predisposition; Hereditary Cancer Syndrome. Identifiers: Orphanet 140162, MedGen C0027672, MeSH D009386, MONDO:0015356.

Submissions (2):

Ambry Genetics
Classification: Uncertain significance for Hereditary cancer-predisposing syndrome. Last evaluated: 2026-05-14. Review status: criteria provided, single submitter. Criteria: Ambry Variant Classification Scheme 2023. Collection method: clinical testing. Allele origin: germline.
Comment: The p.R1631S variant (also known as c.4891C>A), located in coding exon 37 of the POLE gene, results from a C to A substitution at nucleotide position 4891. The arginine at codon 1631 is replaced by serine, an amino acid with dissimilar properties. This amino acid position is conserved. In addition, the in silico prediction for this alteration is inconclusive. Based on the available evidence, the clinical significance of this variant remains unclear.

Labcorp Genetics (formerly Invitae), Labcorp
Classification: Uncertain significance. Last evaluated: 2023-12-26. Review status: criteria provided, single submitter. Criteria: Invitae Variant Classification Sherloc (09022015). Collection method: clinical testing. Allele origin: germline.
Comment: This sequence change replaces arginine, which is basic and polar, with serine, which is neutral and polar, at codon 1631 of the POLE protein (p.Arg1631Ser). This variant is not present in population databases (gnomAD no frequency). This variant has not been reported in the literature in individuals affected with POLE-related conditions. Advanced modeling of protein sequence and biophysical properties (such as structural, functional, and spatial information, amino acid conservation, physicochemical variation, residue mobility, and thermodynamic stability) performed at Invitae indicates that this missense variant is not expected to disrupt POLE protein function with a negative predictive value of 80%. In summary, the available evidence is currently insufficient to determine the role of this variant in disease. Therefore, it has been classified as a Variant of Uncertain Significance.

NM_006231.4(POLE):c.4891C>A (p.Arg1631Ser)

Gene: POLE (DNA polymerase epsilon, catalytic subunit; minus strand). Cytogenetic location: 12q24.33.
Variant type: single nucleotide variant.
Coding change: c.4891C>A on transcript NM_006231.4 (MANE Select); coding-DNA position 4891, C replaced by A.
Protein change: p.Arg1631Ser; replaces arginine 1631 with serine.
Molecular consequence: missense variant.
Genome position (GRCh38, 1-based): chr12:132,642,567, G>T on the plus strand (C>A on the coding strand, the complement: POLE is on the minus strand). VCF-style: chr12-132642567-G-T. GRCh37 (hg19) VCF-style: chr12-133219153-G-T.
Other names: c.4891C>A (NM_006231.2); short protein forms R1631S.
Identifiers: ClinVar variation 2911422 (VCV002911422.4), dbSNP rs565413729, ClinGen allele CA387378008.
Genomic context (GRCh38, chr12:132,642,567, plus strand): 5'-TGCTCATCTCGAAGGCCTGCGACAGGCAGGTGTCCAGGTTGAGGTAGTGACGGATCATGC[G>T]CCGGGCTCCATGGCGCTGCCAGTCCAGGACCCCATAGTTGATCTTGTCAGCCACACAGAT-3'
Protein context (NP_006222.2, residues 1621-1641): VLDWQRHGAR[Arg1631Ser]MIRHYLNLDT